The following is an entry in ClinVar:

ClinVar aggregate classification (germline): Uncertain significance (1 of 4 stars; one submission).

Conditions:
Glycine encephalopathy. Also called: Nonketotic hyperglycinemia; Non-ketotic hyperglycinemia. Identifiers: Orphanet 407, MedGen C0751748, MONDO:0011612, HP:0008288.

Allele frequency attached by ClinVar (database versions not stated): gnomAD exomes 0.00001; ExAC 0.00002; TOPMed 0.00002; gnomAD 0.00003; ESP Exome Variant Server 0.00015.
gnomAD v4.1: 16 of 1,613,866 alleles (0.00099%); highest among the groups gnomAD compares: African/African-American, 0.0053%; no homozygotes.

Submission:

Labcorp Genetics (formerly Invitae), Labcorp
Classification: Uncertain significance for Glycine encephalopathy. Last evaluated: 2021-08-28. Review status: criteria provided, single submitter. Criteria: Invitae Variant Classification Sherloc (09022015). Collection method: clinical testing. Allele origin: germline.
Comment: This sequence change replaces glycine with serine at codon 806 of the GLDC protein (p.Gly806Ser). The glycine residue is highly conserved and there is a small physicochemical difference between glycine and serine. This variant is present in population databases (rs138797822, ExAC 0.01%). This variant has not been reported in the literature in individuals affected with GLDC-related conditions. Advanced modeling of protein sequence and biophysical properties (such as structural, functional, and spatial information, amino acid conservation, physicochemical variation, residue mobility, and thermodynamic stability) performed at Invitae indicates that this missense variant is expected to disrupt GLDC protein function. In summary, the available evidence is currently insufficient to determine the role of this variant in disease. Therefore, it has been classified as a Variant of Uncertain Significance.

NM_000170.3(GLDC):c.2416G>A (p.Gly806Ser)

Gene: GLDC (glycine decarboxylase; minus strand). Cytogenetic location: 9p24.1.
Variant type: single nucleotide variant.
Coding change: c.2416G>A on transcript NM_000170.3 (MANE Select); coding-DNA position 2416, G replaced by A.
Protein change: p.Gly806Ser; replaces glycine 806 with serine.
Molecular consequence: missense variant.
Genome position (GRCh38, 1-based): chr9:6,553,409, C>T on the plus strand (G>A on the coding strand, the complement: GLDC is on the minus strand). VCF-style: chr9-6553409-C-T. GRCh37 (hg19) VCF-style: chr9-6553409-C-T.
Other names: short protein forms G806S.
Identifiers: ClinVar variation 1366576 (VCV001366576.5), dbSNP rs138797822, ClinGen allele CA4980240.